The following is an entry in ClinVar:

NM_006158.5(NEFL):c.223C>T (p.Gln75Ter)

Gene: NEFL (neurofilament light chain; minus strand). Cytogenetic location: 8p21.2.
Variant type: single nucleotide variant.
Coding change: c.223C>T on transcript NM_006158.5 (MANE Select); coding-DNA position 223, C replaced by T.
Protein change: p.Gln75Ter; replaces glutamine 75 with a stop codon.
Molecular consequence: nonsense.
Genome position (GRCh38, 1-based): chr8:24,956,293, G>A on the plus strand (C>T on the coding strand, the complement: NEFL is on the minus strand). VCF-style: chr8-24956293-G-A. GRCh37 (hg19) VCF-style: chr8-24813807-G-A.
Other names: short protein forms Q75*.
Identifiers: ClinVar variation 3730542 (VCV003730542.2).

ClinVar aggregate classification (germline): Pathogenic (1 of 4 stars; one submission).

Conditions:
Charcot-Marie-Tooth disease type 2E (CMT2E). Also called: CHARCOT-MARIE-TOOTH DISEASE, AXONAL, TYPE 2E; CHARCOT-MARIE-TOOTH NEUROPATHY, TYPE 2E. Identifiers: Orphanet 99939, MedGen C1843225, MONDO:0011894, OMIM 607684.

gnomAD v4.1: 1 of 1,610,878 alleles (0.000062%); highest among the groups gnomAD compares: Non-Finnish European, 0.000085%; no homozygotes.

Submission:

Labcorp Genetics (formerly Invitae), Labcorp
Classification: Pathogenic for Charcot-Marie-Tooth disease type 2E. Last evaluated: 2024-05-16. Review status: criteria provided, single submitter. Criteria: Invitae Variant Classification Sherloc (09022015). Collection method: clinical testing. Allele origin: germline.
Comment: This sequence change creates a premature translational stop signal (p.Gln75*) in the NEFL gene. It is expected to result in an absent or disrupted protein product. Loss-of-function variants in NEFL are known to be pathogenic (PMID: 19158810, 20039262). This variant is not present in population databases (gnomAD no frequency). This variant has not been reported in the literature in individuals affected with NEFL-related conditions. For these reasons, this variant has been classified as Pathogenic.

Literature cited by the submitters: PubMed 19158810; PubMed 20039262.